The following is an entry in ClinVar:

ClinVar aggregate classification (germline): Conflicting classifications of pathogenicity. Review status: criteria provided, conflicting classifications (1 of 4 stars). 10 submissions from 6 submitters: Uncertain significance (7); Benign (2); Likely benign (1). Last evaluated 2026-03-27.

Conditions:
Early-onset myopathy with fatal cardiomyopathy (CMYO5). Also called: CONGENITAL MYOPATHY 5 WITH CARDIOMYOPATHY; Salih Myopathy. Identifiers: Orphanet 289377, MedGen C2673677, MONDO:0012714, OMIM 611705. Disease mechanism: loss of function.
Myopathy, myofibrillar, 9, with early respiratory failure (MFM9). Also called: MYOPATHY, PROXIMAL, WITH EARLY RESPIRATORY MUSCLE INVOLVEMENT; Myopathy, distal, with early respiratory failure, autosomal dominant; Hereditary myopathy with early respiratory failure; EDSTROM MYOPATHY. Identifiers: Orphanet 178464, Orphanet 34521, MedGen C1863599, MONDO:0011362, OMIM 603689.
Autosomal recessive limb-girdle muscular dystrophy type 2J (LGMDR10). Also called: Limb-girdle muscular dystrophy, type 2J; MUSCULAR DYSTROPHY, LIMB-GIRDLE, AUTOSOMAL RECESSIVE 10. Identifiers: Orphanet 140922, MedGen C1837342, MONDO:0012127, OMIM 608807.
Tibial muscular dystrophy (TMD). Also called: Tibial muscular dystrophy, tardive; UDD MYOPATHY; Udd Distal Myopathy – Tibial Muscular Dystrophy. Identifiers: Orphanet 609, MedGen C1838244, MONDO:0010870, OMIM 600334.
Dilated cardiomyopathy 1G (CMD1G). Identifiers: Orphanet 154, MedGen C1858763, MONDO:0011400, OMIM 604145.

Allele frequency attached by ClinVar (database versions not stated): gnomAD 0.00001; TOPMed 0.00002; gnomAD exomes 0.00004; 1000 Genomes Project 30x 0.00016; ESP Exome Variant Server 0.00017; 1000 Genomes Project 0.00020.
gnomAD v4.1: 31 of 1,609,750 alleles (0.0019%); highest among the groups gnomAD compares: South Asian, 0.0066%; no homozygotes.

Submissions (10):

Molecular Diagnostic Laboratory for Inherited Cardiovascular Disease, Montreal Heart Institute
Classification: Likely benign. Last evaluated: 2026-03-27. Review status: criteria provided, single submitter. Criteria: ACMG Guidelines, 2015. Collection method: clinical testing. Allele origin: germline. Affected: no.

Athena Diagnostics
Classification: Uncertain significance. Last evaluated: 2024-02-15. Review status: criteria provided, single submitter. Criteria: Athena Diagnostics Criteria. Collection method: clinical testing. Allele origin: unknown.
Comment: Available data are insufficient to determine the clinical significance of the variant at this time. The frequency of this variant in the general population is uninformative in assessment of its pathogenicity. Computational tools disagree on the variant's effect on normal protein function.

Revvity Omics, Revvity
Classification: Uncertain significance. Last evaluated: 2019-09-03. Review status: criteria provided, single submitter. Criteria: ACMG Guidelines, 2015. Collection method: clinical testing. Allele origin: germline.

Illumina Laboratory Services, Illumina
Classification: Benign for Tibial muscular dystrophy. Last evaluated: 2018-01-13. Review status: criteria provided, single submitter. Criteria: ICSL Variant Classification Criteria 13 December 2019. Collection method: clinical testing. Allele origin: germline.
Comment: This variant was observed in the ICSL laboratory as part of a predisposition screen in an ostensibly healthy population. It had not been previously curated by ICSL or reported in the Human Gene Mutation Database (HGMD: prior to June 1st, 2018), and was therefore a candidate for classification through an automated scoring system. Utilizing variant allele frequency, disease prevalence and penetrance estimates, and inheritance mode, an automated score was calculated to assess if this variant is too frequent to cause the disease. Based on the score and internal cut-off values, a variant classified as benign is not then subjected to further curation. The score for this variant resulted in a classification of benign for this disease.

Illumina Laboratory Services, Illumina
Classification: Benign for Myopathy, myofibrillar, 9, with early respiratory failure. Last evaluated: 2018-01-13. Review status: criteria provided, single submitter. Criteria: ICSL Variant Classification Criteria 13 December 2019. Collection method: clinical testing. Allele origin: germline.
Comment: the same text as in the submission from Illumina Laboratory Services, Illumina above.

Illumina Laboratory Services, Illumina
Classification: Uncertain significance for Dilated cardiomyopathy 1G. Last evaluated: 2018-01-13. Review status: criteria provided, single submitter. Criteria: ICSL Variant Classification Criteria 13 December 2019. Collection method: clinical testing. Allele origin: germline.

Illumina Laboratory Services, Illumina
Classification: Uncertain significance for Autosomal recessive limb-girdle muscular dystrophy type 2J. Last evaluated: 2018-01-13. Review status: criteria provided, single submitter. Criteria: ICSL Variant Classification Criteria 13 December 2019. Collection method: clinical testing. Allele origin: germline.

Illumina Laboratory Services, Illumina
Classification: Uncertain significance for Early-onset myopathy with fatal cardiomyopathy. Last evaluated: 2018-01-13. Review status: criteria provided, single submitter. Criteria: ICSL Variant Classification Criteria 13 December 2019. Collection method: clinical testing. Allele origin: germline.

Eurofins Ntd Llc (ga)
Classification: Uncertain significance. Last evaluated: 2016-06-28. Review status: criteria provided, single submitter. Criteria: EGL Classification Definitions 2015. Collection method: clinical testing. Allele origin: germline. Observed: 1 variant allele, 1 heterozygote.

Laboratory for Molecular Medicine, Mass General Brigham Personalized Medicine
Classification: Uncertain significance. Last evaluated: 2013-02-11. Review status: criteria provided, single submitter. Criteria: LMM Criteria. Collection method: clinical testing. Allele origin: germline. Observed: 1 variant allele.
Comment: Variant classified as Uncertain Significance - Favor Benign. The Val6554Met vari ant in TTN has not been reported in the literature nor previously identified by our laboratory. This variant has been identified in 2/122 African American chrom osomes from a broad population by the 1000 Genomes project (dbSNP rs144032104). Computational analyses (biochemical amino acid properties, conservation, AlignGV GD, and SIFT) suggest that the variant may not impact the protein and orangutan carries a methionine (Met; this variant) at this position, raising the possibili ty that this change may be tolerated. However, this computational information is not predictive enough to rule out pathogenicity. Although this data supports th at the Val6554Met variant may be benign, additional studies are needed to fully assess its clinical significance.

Literature cited by the submitters: PubMed 32039858 (cited by Athena Diagnostics); PubMed 29420653 (cited by Athena Diagnostics); PubMed 23675308 (cited by Athena Diagnostics).

NM_001267550.2(TTN):c.23392G>A (p.Val7798Met)

Gene: TTN (titin; minus strand). Cytogenetic location: 2q31.2.
Variant type: single nucleotide variant.
Coding change: c.23392G>A on transcript NM_001267550.2 (MANE Select); coding-DNA position 23392, G replaced by A.
Protein change: p.Val7798Met; replaces valine 7798 with methionine.
Molecular consequence: missense variant. On other transcripts: intron variant (3).
Genome position (GRCh38, 1-based): chr2:178,720,250, C>T on the plus strand (G>A on the coding strand, the complement: TTN is on the minus strand). VCF-style: chr2-178720250-C-T. GRCh37 (hg19) VCF-style: chr2-179584977-C-T.
Other names: c.22441G>A, p.Val7481Met (NM_001256850.1); c.13282+17832G>A (NM_003319.4); c.13858+17832G>A (NM_133437.4); c.13657+17832G>A (NM_133432.3); c.19660G>A, p.Val6554Met (NM_133378.4); c.23392G>A (NM_001267550.1); short protein forms V7798M, V6554M, V7481M.
Identifiers: ClinVar variation 46719 (VCV000046719.18), dbSNP rs144032104, ClinGen allele CA139034.